The following is an entry in ClinVar:

ClinVar aggregate classification (germline): Pathogenic (0 of 4 stars; one submission).

Conditions:
Pyruvate dehydrogenase E1-alpha deficiency (PDHAD). Also called: ATAXIA, INTERMITTENT, WITH PYRUVATE DEHYDROGENASE DEFICIENCY; ATAXIA WITH LACTIC ACIDOSIS I; ATAXIA, INTERMITTENT, WITH ABNORMAL PYRUVATE METABOLISM; Ataxia, intermittent, with pyruvate dehydrogenase, or decarboxylase, deficiency. Identifiers: Orphanet 79243, MedGen C1839413, MONDO:0010717, OMIM 312170.

Submission:

PDHA1 Study Group, University Children’s Hospital, Paracelsus Medical University
Classification: Pathogenic for Pyruvate dehydrogenase E1-alpha deficiency. Last evaluated: 2024-10-15. Review status: no assertion criteria provided. Collection method: research. Allele origin: de novo. Affected: yes. Observed: 1 variant allele.
Comment: The NM_000284.3:c.1163_1164del (p.Ser388CysfsTer43) change is a frameshift variant in PDHA1 gene. This variant is predicted to escape nonsense-mediated decay (NMD). Among them, 1 case had confirmed de novo occurrence. Last literature search: July 12, 2024. This variant is absent or extremely rare in population-based cohorts in the Genome Aggregation Database (gnomAD). Individuals harboring this variant presented with clinical features compatible with PDHA1-related PDHc deficiency. In summary, this variant meets criteria to be classified as pathogenic (P) for PDHA1-related PDHc deficiency based on the ACMG/AMP criteria applied: PVS1, PM2, PM7 (last assessment October 15, 2024).

Literature cited by the submitters: DOI 10.1093/brain/awaf430.

NM_000284.4(PDHA1):c.1163_1164del (p.Ser388fs)

Gene: PDHA1 (pyruvate dehydrogenase E1 subunit alpha 1; plus strand). Cytogenetic location: Xp22.12.
Variant type: Deletion.
Coding change: c.1163_1164del on transcript NM_000284.4 (MANE Select); coding-DNA positions 1163 to 1164, 2 bases deleted (CA; older notation c.1163_1164delCA).
Protein change: p.Ser388fs; shifts the reading frame from serine 388.
Molecular consequence: frameshift variant.
Genome position (GRCh38, 1-based): chrX:19,359,643-19,359,644, CA deleted. VCF-style (leftmost placement, unchanged base first): chrX-19359642-TCA-T. GRCh37 (hg19) VCF-style: chrX-19377760-TCA-T.
Other names: c.1277_1278del, p.Ser426fs (NM_001173454.2); c.1184_1185del, p.Ser395fs (NM_001173455.2); c.1070_1071del, p.Ser357fs (NM_001173456.2); short protein forms S357fs, S388fs, S395fs, S426fs.
Identifiers: ClinVar variation 4070481 (VCV004070481.1).